The following is an entry in ClinVar:

NM_138576.4(BCL11B):c.427+1G>A

Gene: BCL11B (BCL11 transcription factor B; minus strand). Cytogenetic location: 14q32.2.
Variant type: single nucleotide variant.
Coding change: c.427+1G>A on transcript NM_138576.4 (MANE Select); the canonical splice donor site of the intron after coding-DNA position 427, G replaced by A.
Molecular consequence: splice donor variant.
Genome position (GRCh38, 1-based): chr14:99,257,470, C>T on the plus strand (G>A on the coding strand, the complement: BCL11B is on the minus strand). VCF-style: chr14-99257470-C-T. GRCh37 (hg19) VCF-style: chr14-99723807-C-T.
Other names: c.424+1G>A (NM_001282238.2, NM_001282237.2); c.427+1G>A (NM_022898.3).
Identifiers: ClinVar variation 1292046 (VCV001292046.2), dbSNP rs2139953103, ClinGen allele CA390938498.

ClinVar aggregate classification (germline): Pathogenic (0 of 4 stars; one submission).

Conditions:
Intellectual developmental disorder with speech delay, dysmorphic facies, and t-cell abnormalities. Also called: BCL11B-related BAFopathy. Identifiers: Orphanet 662829, MedGen C4748152, MONDO:0060763, OMIM 618092.

Submission:

Shaanxi Institute for Pediatric Diseases, Xi'an Children's Hospital
Classification: Pathogenic for Intellectual developmental disorder with speech delay, dysmorphic facies, and t-cell abnormalities. Last evaluated: 2021-08-20. Review status: no assertion criteria provided. Collection method: clinical testing. Allele origin: maternal. Inheritance: Autosomal dominant inheritance. Affected: yes. Observed: 3 variant alleles.
Comment: The splcing variant c.427+1G>A in BCL11B has not been reported. we identified the variant in 3 patients from a Chinese family. This variant was absent in the gnomAD and previous literature. and it occurs in the splicing region, could resulting in protein function changes. In summary, according to ACMG guidelines . the c.427+1G>A variant to be classified as pathogenic.